The following is an entry in ClinVar:

NM_001184880.2(PCDH19):c.394G>A (p.Ala132Thr)

Gene: PCDH19 (protocadherin 19; minus strand). Cytogenetic location: Xq22.1.
Variant type: single nucleotide variant.
Coding change: c.394G>A on transcript NM_001184880.2 (MANE Select); coding-DNA position 394, G replaced by A.
Protein change: p.Ala132Thr; replaces alanine 132 with threonine.
Molecular consequence: missense variant.
Genome position (GRCh38, 1-based): chrX:100,408,204, C>T on the plus strand (G>A on the coding strand, the complement: PCDH19 is on the minus strand). VCF-style: chrX-100408204-C-T. GRCh37 (hg19) VCF-style: chrX-99663202-C-T.
Other names: c.394G>A, p.Ala132Thr (NM_001105243.2, NM_020766.3); short protein forms A132T.
Identifiers: ClinVar variation 4693218 (VCV004693218.1).

ClinVar aggregate classification (germline): Uncertain significance (1 of 4 stars; one submission).

Conditions:
Developmental and epileptic encephalopathy, 9 (DEE9). Also called: JUBERG-HELLMAN SYNDROME; PCDH19-Related X-Linked Female-Limited Epilepsy with Mental Retardation; Early infantile epileptic encephalopathy 9; EPILEPSY, FEMALE-RESTRICTED, WITH MENTAL RETARDATION. Identifiers: Orphanet 101039, Orphanet 2076, MedGen C1848137, MONDO:0010246, OMIM 300088. Disease mechanism: loss of function.

Submission:

Labcorp Genetics (formerly Invitae), Labcorp
Classification: Uncertain significance for Developmental and epileptic encephalopathy, 9. Last evaluated: 2025-04-02. Review status: criteria provided, single submitter. Criteria: Invitae Variant Classification Sherloc (09022015). Collection method: clinical testing. Allele origin: germline.
Comment: This sequence change replaces alanine, which is neutral and non-polar, with threonine, which is neutral and polar, at codon 132 of the PCDH19 protein (p.Ala132Thr). This variant is not present in population databases (gnomAD no frequency). This variant has not been reported in the literature in individuals affected with PCDH19-related conditions. Invitae Evidence Modeling of protein sequence and biophysical properties (such as structural, functional, and spatial information, amino acid conservation, physicochemical variation, residue mobility, and thermodynamic stability) indicates that this missense variant is not expected to disrupt PCDH19 protein function with a negative predictive value of 95%. In summary, the available evidence is currently insufficient to determine the role of this variant in disease. Therefore, it has been classified as a Variant of Uncertain Significance.